The following is an entry in ClinVar:

NM_005629.4(SLC6A8):c.1390G>T (p.Asp464Tyr)

Gene: SLC6A8 (solute carrier family 6 member 8; plus strand). Cytogenetic location: Xq28.
Variant type: single nucleotide variant.
Coding change: c.1390G>T on transcript NM_005629.4 (MANE Select); coding-DNA position 1390, G replaced by T.
Protein change: p.Asp464Tyr; replaces aspartic acid 464 with tyrosine.
Molecular consequence: missense variant.
Genome position (GRCh38, 1-based): chrX:153,694,265, G>T. VCF-style: chrX-153694265-G-T. GRCh37 (hg19) VCF-style: chrX-152959720-G-T.
Other names: c.1360G>T, p.Asp454Tyr (NM_001142805.2); c.1045G>T, p.Asp349Tyr (NM_001142806.1); short protein forms D349Y, D454Y, D464Y.
Identifiers: ClinVar variation 2578136 (VCV002578136.1), dbSNP rs1557045424, ClinGen allele CA415087123.

ClinVar aggregate classification (germline): Uncertain significance (1 of 4 stars; one submission).

Submission:

GeneDx
Classification: Uncertain significance. Last evaluated: 2023-02-27. Review status: criteria provided, single submitter. Criteria: GeneDx Variant Classification Process June 2021. Collection method: clinical testing. Allele origin: germline. Affected: yes.
Comment: Not observed at significant frequency in large population cohorts (gnomAD); In silico analysis supports that this missense variant has a deleterious effect on protein structure/function; Has not been previously published as pathogenic or benign to our knowledge